The following is an entry in ClinVar:

NM_014924.5(ATG14):c.949C>T (p.Leu317=)

Genes: ATG14 (autophagy related 14; minus strand), FBXO34 (F-box protein 34; plus strand). Cytogenetic location: 14q22.3.
Variant type: single nucleotide variant.
Coding change: c.949C>T on transcript NM_014924.5 (MANE Select); coding-DNA position 949, C replaced by T.
Protein change: p.Leu317=; no amino-acid change (leucine 317 retained).
Molecular consequence: synonymous variant.
Genome position (GRCh38, 1-based): chr14:55,380,619, G>A on the plus strand (C>T on the coding strand, the complement: ATG14 is on the minus strand). VCF-style: chr14-55380619-G-A. GRCh37 (hg19) VCF-style: chr14-55847337-G-A.
Identifiers: ClinVar variation 2644253 (VCV002644253.24), dbSNP rs144891475, ClinGen allele CA7197003.
Genomic context (GRCh38, chr14:55,380,619, plus strand): 5'-CTTCAATTACTTGCCTGTTGCAGAGCTTTTTGGGAAGATTTACATCAAGTATATGAGACA[G>A]AATGTTGACCAGCTGAGTTGCATAGCACAGCGCAGCACTGATGGTGTAGGCAGGGTTACT-3'
Protein context (NP_055739.2, residues 307-327): LCYATQLVNI[Leu317=]SHILDVNLPK

ClinVar aggregate classification (germline): Likely benign (1 of 4 stars; one submission).

Allele frequency attached by ClinVar (database versions not stated): gnomAD 0.00097; 1000 Genomes Project 30x 0.00109; TOPMed 0.00112; 1000 Genomes Project 0.00120; ExAC 0.00132; ESP Exome Variant Server 0.00154.
gnomAD v4.1: 2,711 of 1,613,184 alleles (0.17%); highest among the groups gnomAD compares: Middle Eastern, 0.21%; 6 homozygotes.

Submission:

CeGaT Center for Human Genetics Tuebingen
Classification: Likely benign. Last evaluated: 2022-05-01. Review status: criteria provided, single submitter. Criteria: CeGaT Center For Human Genetics Tuebingen Variant Classification Criteria Version 2. Collection method: clinical testing. Allele origin: germline. Affected: yes. Observed: 1 variant allele.
Comment: ATG14: BP4, BP7